The following is an entry in ClinVar:

ClinVar aggregate classification (germline): Uncertain significance (3 of 4 stars; one submission).

Conditions:
Overgrowth syndrome and/or cerebral malformations due to abnormalities in MTOR pathway genes. Identifiers: MedGen CN300503, MONDO:0100283.

gnomAD v4.1: 4 of 1,614,054 alleles (0.00025%); highest among the groups gnomAD compares: African/African-American, 0.0013%; no homozygotes.

Submission:

ClinGen Brain Malformations Variant Curation Expert Panel
Classification: Uncertain significance for Overgrowth syndrome and/or cerebral malformations due to abnormalities in MTOR pathway genes. Last evaluated: 2025-06-06. Review status: reviewed by expert panel. Criteria: ClinGen BrainMalform ACMG Specifications V1.1.0. Collection method: curation. Allele origin: germline. Inheritance: Autosomal dominant inheritance.
Comment: The NM_004958.4:c.3004C>T (p.Arg1002Ter) variant in MTOR is a nonsense variant that is predicted to cause a premature stop codon at exon 19. In gnomAD v4.1.0, this variant has a filtering allele frequency of 0.000028% in the European (non-Finnish) population, and a minor allele frequency of 0.001333% (1/75040) in the African/African American population (PM2_Supporting, BS1, and BS1_Supporting not met). This variant has been reported in 1 tumor sample from a patient with endometriod carcinoma in COSMIC (COSV100816762). However, PS4_Supporting cannot be applied because this variant would need to be observed in at least two tumor samples in order for this criterion to be applied. In summary, this variant meets the criteria to be classified as uncertain significance for overgrowth syndrome and/or cerebral malformations due to abnormalities in MTOR pathway genes based on the ACMG/AMP criteria applied, as specified by the ClinGen Brain Malformations Expert Panel: No Criteria Met (ClinGen Brain Malformations VCEP Specifications Version 1.1).

NM_004958.4(MTOR):c.3004C>T (p.Arg1002Ter)

Gene: MTOR (mechanistic target of rapamycin kinase; minus strand). Cytogenetic location: 1p36.22.
Variant type: single nucleotide variant.
Coding change: c.3004C>T on transcript NM_004958.4 (MANE Select); coding-DNA position 3004, C replaced by T.
Protein change: p.Arg1002Ter; replaces arginine 1002 with a stop codon.
Molecular consequence: nonsense.
Genome position (GRCh38, 1-based): chr1:11,228,694, G>A on the plus strand (C>T on the coding strand, the complement: MTOR is on the minus strand). VCF-style: chr1-11228694-G-A. GRCh37 (hg19) VCF-style: chr1-11288751-G-A.
Other names: NM_004958.3:c.3004C>T; NM_004958.4(MTOR):c.3004C>T; p.Arg1002Ter; c.3004C>T, p.Arg1002Ter (NM_001386500.1); c.1756C>T, p.Arg586Ter (NM_001386501.1); short protein forms R1002*, R586*.
Identifiers: ClinVar variation 1296995 (VCV001296995.5), dbSNP rs770601118, ClinGen allele CA338378687.